The following is an entry in ClinVar:

ClinVar aggregate classification (germline): Pathogenic (1 of 4 stars; one submission).

Conditions:
Duchenne muscular dystrophy (DMD). Also called: Duchenne Muscular Dystrophy (DMD); MUSCULAR DYSTROPHY, PSEUDOHYPERTROPHIC PROGRESSIVE, DUCHENNE TYPE. Identifiers: Orphanet 98896, MedGen C0013264, MONDO:0010679, OMIM 310200.

Submission:

Labcorp Genetics (formerly Invitae), Labcorp
Classification: Pathogenic for Duchenne muscular dystrophy. Last evaluated: 2022-04-06. Review status: criteria provided, single submitter. Criteria: Invitae Variant Classification Sherloc (09022015). Collection method: clinical testing. Allele origin: germline.
Comment: This variant results in a copy number gain of the genomic region encompassing exon(s) 56-63 of the DMD gene. While the exact position of this variant cannot be determined from the data, sub-genic copy number gains are generally in tandem (PMID: 25640679). This variant is predicted to be out-of-frame, and may result in an absent or disrupted protein product. Loss-of-function variants in DMD are known to be pathogenic (PMID: 16770791, 25007885). A similar copy number variant has been observed in individuals with clinical features of dystrophinopathy (PMID: 16030524; Invitae). For these reasons, this variant has been classified as Pathogenic.

Literature cited by the submitters: PubMed 25640679; PubMed 16770791; PubMed 25007885; PubMed 16030524.

NC_000023.10:g.(?_31279052)_(31525590_?)dup

Gene: DMD (dystrophin; minus strand). Cytogenetic location: Xp21.2-21.1.
Variant type: Duplication.
Identifiers: ClinVar variation 2424986 (VCV002424986.5).